The following is an entry in ClinVar:

ClinVar aggregate classification (germline): Uncertain significance. Review status: criteria provided, multiple submitters, no conflicts (2 of 4 stars). 3 submissions from 3 submitters: Uncertain significance (3). Last evaluated 2025-11-05.

Conditions:
Hereditary cancer-predisposing syndrome. Also called: Hereditary Cancer Syndrome; Neoplastic Syndromes, Hereditary; Tumor predisposition; Hereditary neoplastic syndrome. Identifiers: Orphanet 140162, MedGen C0027672, MeSH D009386, MONDO:0015356.

Allele frequency attached by ClinVar (database versions not stated): gnomAD exomes below 0.00001.
gnomAD v4.1: 2 of 1,613,664 alleles (0.00012%); highest among the groups gnomAD compares: Non-Finnish European, 0.00017%; no homozygotes.

Submissions (3):

Labcorp Genetics (formerly Invitae), Labcorp
Classification: Uncertain significance. Last evaluated: 2025-11-05. Review status: criteria provided, single submitter. Criteria: Invitae Variant Classification Sherloc (09022015). Collection method: clinical testing. Allele origin: germline.
Comment: This sequence change replaces tyrosine, which is neutral and polar, with cysteine, which is neutral and slightly polar, at codon 2151 of the POLE protein (p.Tyr2151Cys). This variant is present in population databases (no rsID available, gnomAD 0.0009%). This variant has not been reported in the literature in individuals affected with POLE-related conditions. ClinVar contains an entry for this variant (Variation ID: 839016). Invitae Evidence Modeling of protein sequence and biophysical properties (such as structural, functional, and spatial information, amino acid conservation, physicochemical variation, residue mobility, and thermodynamic stability) indicates that this missense variant is not expected to disrupt POLE protein function with a negative predictive value of 80%. In summary, the available evidence is currently insufficient to determine the role of this variant in disease. Therefore, it has been classified as a Variant of Uncertain Significance.

CeGaT Center for Human Genetics Tuebingen
Classification: Uncertain significance. Last evaluated: 2025-03-01. Review status: criteria provided, single submitter. Criteria: CeGaT Center For Human Genetics Tuebingen Variant Classification Criteria Version 2. Collection method: clinical testing. Allele origin: germline. Affected: yes. Observed: 1 variant allele.
Comment: POLE: PM2, BP4

Ambry Genetics
Classification: Uncertain significance for Hereditary cancer-predisposing syndrome. Last evaluated: 2024-08-30. Review status: criteria provided, single submitter. Criteria: Ambry Variant Classification Scheme 2023. Collection method: clinical testing. Allele origin: germline.
Comment: The p.Y2151C variant (also known as c.6452A>G), located in coding exon 46 of the POLE gene, results from an A to G substitution at nucleotide position 6452. The tyrosine at codon 2151 is replaced by cysteine, an amino acid with highly dissimilar properties. This amino acid position is conserved. In addition, this alteration is predicted to be tolerated by in silico analysis. Based on the available evidence, the clinical significance of this variant remains unclear.

NM_006231.4(POLE):c.6452A>G (p.Tyr2151Cys)

Gene: POLE (DNA polymerase epsilon, catalytic subunit; minus strand). Cytogenetic location: 12q24.33.
Variant type: single nucleotide variant.
Coding change: c.6452A>G on transcript NM_006231.4 (MANE Select); coding-DNA position 6452, A replaced by G.
Protein change: p.Tyr2151Cys; replaces tyrosine 2151 with cysteine.
Molecular consequence: missense variant.
Genome position (GRCh38, 1-based): chr12:132,626,196, T>C on the plus strand (A>G on the coding strand, the complement: POLE is on the minus strand). VCF-style: chr12-132626196-T-C. GRCh37 (hg19) VCF-style: chr12-133202782-T-C.
Other names: c.6452A>G (NM_006231.2); short protein forms Y2151C.
Identifiers: ClinVar variation 839016 (VCV000839016.20), dbSNP rs1330402168, ClinGen allele CA387367488.
Genomic context (GRCh38, chr12:132,626,196, plus strand): 5'-TTACACAGGTCCAGGTCGCGGCAGAAGTTACAGCTGCGGCAGATGACCTCAGGAAGCACG[T>C]AGGAGCGGCAGGGGTCTCGGAACTGGGCCTCCTCGGAGAACTCGCCGACATCCACCAGGC-3'
Protein context (NP_006222.2, residues 2141-2161): EAQFRDPCRS[Tyr2151Cys]VLPEVICRSC